The following is an entry in ClinVar:

ClinVar aggregate classification (germline): Benign/Likely benign. Review status: criteria provided, multiple submitters, no conflicts (2 of 4 stars). 9 submissions from 9 submitters: Benign (5); Likely benign (3). 1 of the submissions does not count toward it. Last evaluated 2026-02-04.

Conditions:
Focal segmental glomerulosclerosis (FSGS). Also called: Glomerulosclerosis, focal; Focal sclerosis with hyalinosis. Identifiers: MedGen C0017668, MONDO:0100313, HP:0000097. Disease mechanism: loss of function.
Nephrotic syndrome, type 2 (NPHS2). Also called: NEPHROTIC SYNDROME, STEROID-RESISTANT, AUTOSOMAL RECESSIVE. Identifiers: Orphanet 656, MedGen C1868672, MONDO:0010974, OMIM 600995.
Steroid-resistant nephrotic syndrome. Identifiers: MedGen C0403397, MONDO:0044765, HP:0012588.

Allele frequency attached by ClinVar (database versions not stated): 1000 Genomes Project 0.01597; 1000 Genomes Project 30x 0.01671; gnomAD 0.02940 and 0.03013; TOPMed 0.03071; ExAC 0.03406; ESP Exome Variant Server 0.03491.
gnomAD v4.1: 63,337 of 1,611,690 alleles (3.9%); highest among the groups gnomAD compares: Middle Eastern, 4.9%; 1,524 homozygotes.

Submissions (9):

Labcorp Genetics (formerly Invitae), Labcorp
Classification: Benign. Last evaluated: 2026-02-04. Review status: criteria provided, single submitter. Criteria: Invitae Variant Classification Sherloc (09022015). Collection method: clinical testing. Allele origin: germline.

Blueprint Genetics
Classification: Likely benign. Last evaluated: 2024-11-26. Review status: criteria provided, single submitter. Criteria: ACMG Guidelines, 2015. Collection method: clinical testing. Allele origin: germline.

Genome-Nilou Lab
Classification: Benign for Nephrotic syndrome, type 2. Last evaluated: 2023-04-11. Review status: criteria provided, single submitter. Criteria: ACMG Guidelines, 2015. Collection method: clinical testing. Allele origin: germline. Affected: no.

Mayo Clinic Laboratories, Mayo Clinic
Classification: Benign. Last evaluated: 2022-11-25. Review status: criteria provided, single submitter. Criteria: ACMG Guidelines, 2015. Collection method: clinical testing. Allele origin: germline. Observed: 12 variant alleles.
Comment: BS1, BS2, BP4, BP7

Genome Diagnostics Laboratory, The Hospital for Sick Children
Classification: Benign for Focal segmental glomerulosclerosis. Last evaluated: 2022-09-02. Review status: criteria provided, single submitter. Criteria: ACMG Guidelines, 2015. Collection method: clinical testing. Allele origin: germline.

Illumina Laboratory Services, Illumina
Classification: Likely benign for Nephrotic syndrome, type 2. Last evaluated: 2018-01-12. Review status: criteria provided, single submitter. Criteria: ICSL Variant Classification Criteria 13 December 2019. Collection method: clinical testing. Allele origin: germline.
Comment: This variant was observed in the ICSL laboratory as part of a predisposition screen in an ostensibly healthy population. It had not been previously curated by ICSL or reported in the Human Gene Mutation Database (HGMD: prior to June 1st, 2018), and was therefore a candidate for classification through an automated scoring system. Utilizing variant allele frequency, disease prevalence and penetrance estimates, and inheritance mode, an automated score was calculated to assess if this variant is too frequent to cause the disease. Based on the score and internal cut-off values, a variant classified as likely benign is not then subjected to further curation. The score for this variant resulted in a classification of likely benign for this disease.

Breakthrough Genomics
Classification: Likely benign. Review status: criteria provided, single submitter. Criteria: ACMG Guidelines, 2015. Collection method: not provided. Allele origin: germline. Inheritance: Autosomal recessive inheritance. Affected: yes.

PreventionGenetics, part of Exact Sciences
Classification: Benign. Review status: criteria provided, single submitter. Criteria: ACMG Guidelines, 2015. Collection method: clinical testing. Allele origin: germline.

Natera, Inc.
Classification: Benign for Steroid-resistant nephrotic syndrome. Last evaluated: 2019-11-25. Review status: no assertion criteria provided. Collection method: clinical testing. Allele origin: germline. Not counted in ClinVar's aggregate classification.

NM_014625.4(NPHS2):c.873+7A>G

Genes: AXDND1 (axonemal dynein light chain domain containing 1; plus strand), NPHS2 (NPHS2 stomatin family member, podocin; minus strand). Cytogenetic location: 1q25.2.
Variant type: single nucleotide variant.
Coding change: c.873+7A>G on transcript NM_014625.4 (MANE Select); 7 bases into the intron after coding-DNA position 873, A replaced by G.
Molecular consequence: intron variant.
Genome position (GRCh38, 1-based): chr1:179,552,596, T>C on the plus strand (A>G on the coding strand, the complement: NPHS2 is on the minus strand). VCF-style: chr1-179552596-T-C. GRCh37 (hg19) VCF-style: chr1-179521731-T-C.
Other names: p.?; c.3032-1916T>C (NM_144696.6); c.669+7A>G (NM_001297575.2); c.873+7A>G (NM_014625.3).
Identifiers: ClinVar variation 260430 (VCV000260430.20), dbSNP rs115778946, ClinGen allele CA1267099.